The following is an entry in ClinVar:

NM_000135.4(FANCA):c.993C>G (p.Ser331Arg)

Gene: FANCA (FA complementation group A; minus strand). Cytogenetic location: 16q24.3.
Variant type: single nucleotide variant.
Coding change: c.993C>G on transcript NM_000135.4 (MANE Select); coding-DNA position 993, C replaced by G.
Protein change: p.Ser331Arg; replaces serine 331 with arginine.
Molecular consequence: missense variant.
Genome position (GRCh38, 1-based): chr16:89,795,919, G>C on the plus strand (C>G on the coding strand, the complement: FANCA is on the minus strand). VCF-style: chr16-89795919-G-C. GRCh37 (hg19) VCF-style: chr16-89862327-G-C.
Other names: c.993C>G, p.Ser331Arg (NM_001286167.3); short protein forms S331R.
Identifiers: ClinVar variation 4824607 (VCV004824607.1).
Genomic context (GRCh38, chr16:89,795,919, plus strand): 5'-AATCCCCAAAATGGGTAGCAACTGAGCAGCCTCCACACTGGGCCTACCTTTCAGCACAGG[G>C]CTGTGAGTGAGTATCTGAGTCAGGGTATGACTGAAGAACCTCTTCAGAGGATCTGTGGAA-3'
Protein context (NP_000126.2, residues 321-341): SHTLTQILTH[Ser331Arg]PVLKASDAVQ

ClinVar aggregate classification (germline): Uncertain significance (1 of 4 stars; one submission).

Conditions:
Inborn genetic diseases. Identifiers: MedGen C0950123, MeSH D030342.

Submission:

Ambry Genetics
Classification: Uncertain significance for Inborn genetic diseases. Last evaluated: 2026-02-16. Review status: criteria provided, single submitter. Criteria: Ambry Variant Classification Scheme 2023. Collection method: clinical testing. Allele origin: germline.
Comment: The p.S331R variant (also known as c.993C>G), located in coding exon 11 of the FANCA gene, results from a C to G substitution at nucleotide position 993. The serine at codon 331 is replaced by arginine, an amino acid with dissimilar properties. This amino acid position is conserved. In addition, this alteration is predicted to be tolerated by in silico analysis. Based on the available evidence, the clinical significance of this variant remains unclear.